The following is an entry in ClinVar:

ClinVar aggregate classification (germline): Uncertain significance. Review status: criteria provided, multiple submitters, no conflicts (2 of 4 stars). 2 submissions from 2 submitters: Uncertain significance (2). Last evaluated 2026-03-06.

gnomAD v4.1: 8 of 1,564,930 alleles (0.00051%); highest among the groups gnomAD compares: East Asian, 0.0024%; no homozygotes.

Submissions (2):

GeneDx
Classification: Uncertain significance. Last evaluated: 2026-03-06. Review status: criteria provided, single submitter. Criteria: GeneDx Variant Classification Process June 2021. Collection method: clinical testing. Allele origin: germline.
Comment: In silico analysis supports that this missense variant has a deleterious effect on protein structure/function; Has not been previously published as pathogenic or benign to our knowledge

Blueprint Genetics
Classification: Uncertain significance. Last evaluated: 2022-05-27. Review status: criteria provided, single submitter. Criteria: ACMG Guidelines, 2015. Collection method: clinical testing. Allele origin: germline.

NM_001145809.2(MYH14):c.2902C>T (p.Arg968Trp)

Gene: MYH14 (myosin heavy chain 14; plus strand). Cytogenetic location: 19q13.33.
Variant type: single nucleotide variant.
Coding change: c.2902C>T on transcript NM_001145809.2 (MANE Select); coding-DNA position 2902, C replaced by T.
Protein change: p.Arg968Trp; replaces arginine 968 with tryptophan.
Molecular consequence: missense variant.
Genome position (GRCh38, 1-based): chr19:50,268,236, C>T. VCF-style: chr19-50268236-C-T. GRCh37 (hg19) VCF-style: chr19-50771493-C-T.
Other names: c.2803C>T, p.Arg935Trp (NM_001077186.2); c.2779C>T, p.Arg927Trp (NM_024729.4); c.2779C>T (NM_024729.3); short protein forms R927W, R935W, R968W.
Identifiers: ClinVar variation 4943515 (VCV004943515.2).
Genomic context (GRCh38, chr19:50,268,236, plus strand): 5'-GCCCGCCTGGCAGAGCAATTGCGAGCAGAGGCAGAACTGTGTGCAGAGGCCGAGGAGACG[C>T]GGGGGAGGCTGGCAGCCCGCAAGCAGGAGCTGGAGCTGGTGGTGTCAGAGCTGGAGGCTC-3'
Protein context (NP_001139281.1, residues 958-978): AELCAEAEET[Arg968Trp]GRLAARKQEL